The following is an entry in ClinVar:

NM_001252024.2(TRPM1):c.2088-3C>T

Gene: TRPM1 (transient receptor potential cation channel subfamily M member 1; minus strand). Cytogenetic location: 15q13.3.
Variant type: single nucleotide variant.
Coding change: c.2088-3C>T on transcript NM_001252024.2 (MANE Select); 3 bases into the intron before coding-DNA position 2088, C replaced by T.
Molecular consequence: intron variant.
Genome position (GRCh38, 1-based): chr15:31,040,349, G>A on the plus strand (C>T on the coding strand, the complement: TRPM1 is on the minus strand). VCF-style: chr15-31040349-G-A. GRCh37 (hg19) VCF-style: chr15-31332552-G-A.
Other names: c.2139-3C>T (NM_001252020.2); c.2022-3C>T (NM_002420.6).
Identifiers: ClinVar variation 1061840 (VCV001061840.7), dbSNP rs769044063, ClinGen allele CA7452314.

ClinVar aggregate classification (germline): Conflicting classifications of pathogenicity. Review status: criteria provided, conflicting classifications (1 of 4 stars). 2 submissions from 2 submitters: Uncertain significance (1); Likely benign (1). Last evaluated 2022-01-06.

Allele frequency attached by ClinVar (database versions not stated): gnomAD 0.00003 and 0.00004; ExAC 0.00007; TOPMed 0.00007.
gnomAD v4.1: 28 of 1,613,618 alleles (0.0017%); highest among the groups gnomAD compares: East Asian, 0.06%; no homozygotes.

Submissions (2):

Labcorp Genetics (formerly Invitae), Labcorp
Classification: Uncertain significance. Last evaluated: 2022-01-06. Review status: criteria provided, single submitter. Criteria: Invitae Variant Classification Sherloc (09022015). Collection method: clinical testing. Allele origin: germline.
Comment: This sequence change falls in intron 16 of the TRPM1 gene. It does not directly change the encoded amino acid sequence of the TRPM1 protein. It affects a nucleotide within the consensus splice site. This variant is present in population databases (rs769044063, gnomAD 0.1%). This variant has not been reported in the literature in individuals affected with TRPM1-related conditions. ClinVar contains an entry for this variant (Variation ID: 1061840). Variants that disrupt the consensus splice site are a relatively common cause of aberrant splicing (PMID: 17576681, 9536098). Algorithms developed to predict the effect of sequence changes on RNA splicing suggest that this variant is not likely to affect RNA splicing. In summary, the available evidence is currently insufficient to determine the role of this variant in disease. Therefore, it has been classified as a Variant of Uncertain Significance.

Blueprint Genetics
Classification: Likely benign. Last evaluated: 2021-12-26. Review status: criteria provided, single submitter. Criteria: ACMG Guidelines, 2015. Collection method: clinical testing. Allele origin: germline.

Literature cited by the submitters: PubMed 17576681 (cited by Labcorp Genetics (formerly Invitae), Labcorp); PubMed 9536098 (cited by Labcorp Genetics (formerly Invitae), Labcorp).